The following is an entry in ClinVar:

ClinVar aggregate classification (germline): Likely pathogenic (0 of 4 stars; one submission).

Conditions:
KMT2A-related disorder. Also called: KMT2A-related condition.

Submission:

PreventionGenetics, part of Exact Sciences
Classification: Likely pathogenic for KMT2A-related condition. Last evaluated: 2024-06-25. Review status: no assertion criteria provided. Collection method: clinical testing. Allele origin: germline.
Comment: The KMT2A c.9283C>T variant is predicted to result in premature protein termination (p.Gln3095*). To our knowledge, this variant has not been reported in the literature or in a large population database, indicating this variant is rare. Nonsense variants in KMT2A are expected to be pathogenic. This variant is interpreted as likely pathogenic.

NM_001197104.2(KMT2A):c.9283C>T (p.Gln3095Ter)

Gene: KMT2A (lysine methyltransferase 2A; plus strand). Cytogenetic location: 11q23.3.
Variant type: single nucleotide variant.
Coding change: c.9283C>T on transcript NM_001197104.2 (MANE Select); coding-DNA position 9283, C replaced by T.
Protein change: p.Gln3095Ter; replaces glutamine 3095 with a stop codon.
Molecular consequence: nonsense.
Genome position (GRCh38, 1-based): chr11:118,505,175, C>T. VCF-style: chr11-118505175-C-T. GRCh37 (hg19) VCF-style: chr11-118375890-C-T.
Other names: c.9373C>T, p.Gln3125Ter (NM_001412597.1); c.9274C>T, p.Gln3092Ter (NM_005933.4); short protein forms Q3092*, Q3095*, Q3125*.
Identifiers: ClinVar variation 3356695 (VCV003356695.1).
Genomic context (GRCh38, chr11:118,505,175, plus strand): 5'-AAGCCAGCCACTGAGAAACTCATAGTTGTTAACCAGAACATGCAGCCACTTTATGTTCTC[C>T]AAACTCTTCCAAATGGAGTGACCCAAAAAATCCAATTGACCTCTTCTGTTAGTTCTACAC-3'